The following is an entry in ClinVar:

NM_022041.4(GAN):c.218T>C (p.Ile73Thr)

Gene: GAN (gigaxonin; plus strand). Cytogenetic location: 16q23.2.
Variant type: single nucleotide variant.
Coding change: c.218T>C on transcript NM_022041.4 (MANE Select); coding-DNA position 218, T replaced by C.
Protein change: p.Ile73Thr; replaces isoleucine 73 with threonine.
Molecular consequence: missense variant. On other transcripts: intron variant (1).
Genome position (GRCh38, 1-based): chr16:81,351,633, T>C. VCF-style: chr16-81351633-T-C. GRCh37 (hg19) VCF-style: chr16-81385238-T-C.
Other names: c.-357-2772T>C (NM_001377486.1); short protein forms I73T.
Identifiers: ClinVar variation 533925 (VCV000533925.8), dbSNP rs377294873, ClinGen allele CA8191293.

ClinVar aggregate classification (germline): Uncertain significance (1 of 4 stars; one submission).

Conditions:
Giant axonal neuropathy 1 (GAN1). Also called: GAN-Related Neurodegeneration; GIANT AXONAL NEUROPATHY 1, AUTOSOMAL RECESSIVE. Identifiers: Orphanet 643, MedGen C1850386, MONDO:0009749, OMIM 256850.

Allele frequency attached by ClinVar (database versions not stated): gnomAD exomes below 0.00001; TOPMed below 0.00001; ExAC 0.00002; ESP Exome Variant Server 0.00015.

Submission:

Labcorp Genetics (formerly Invitae), Labcorp
Classification: Uncertain significance for Giant axonal neuropathy 1. Last evaluated: 2023-08-17. Review status: criteria provided, single submitter. Criteria: Invitae Variant Classification Sherloc (09022015). Collection method: clinical testing. Allele origin: germline.
Comment: This sequence change replaces isoleucine, which is neutral and non-polar, with threonine, which is neutral and polar, at codon 73 of the GAN protein (p.Ile73Thr). This variant is present in population databases (rs377294873, gnomAD 0.002%). This variant has not been reported in the literature in individuals affected with GAN-related conditions. ClinVar contains an entry for this variant (Variation ID: 533925). Advanced modeling of protein sequence and biophysical properties (such as structural, functional, and spatial information, amino acid conservation, physicochemical variation, residue mobility, and thermodynamic stability) performed at Invitae indicates that this missense variant is not expected to disrupt GAN protein function. In summary, the available evidence is currently insufficient to determine the role of this variant in disease. Therefore, it has been classified as a Variant of Uncertain Significance.